The following is an entry in ClinVar:

ClinVar aggregate classification (germline): Uncertain significance (1 of 4 stars; one submission).

gnomAD v4.1: 1 of 1,614,130 alleles (0.000062%); highest among the groups gnomAD compares: South Asian, 0.0011%; no homozygotes.

Submission:

Labcorp Genetics (formerly Invitae), Labcorp
Classification: Uncertain significance. Last evaluated: 2025-09-03. Review status: criteria provided, single submitter. Criteria: Invitae Variant Classification Sherloc (09022015). Collection method: clinical testing. Allele origin: germline.
Comment: This sequence change replaces isoleucine, which is neutral and non-polar, with valine, which is neutral and non-polar, at codon 1039 of the NIN protein (p.Ile1039Val). This variant is not present in population databases (gnomAD no frequency). This variant has not been reported in the literature in individuals affected with NIN-related conditions. An algorithm developed to predict the effect of missense changes on protein structure and function outputs the following: PolyPhen-2: "Benign". The valine amino acid residue is found in multiple mammalian species, which suggests that this missense change does not adversely affect protein function. In summary, the available evidence is currently insufficient to determine the role of this variant in disease. Therefore, it has been classified as a Variant of Uncertain Significance.

NM_020921.4(NIN):c.3115A>G (p.Ile1039Val)

Gene: NIN (ninein; minus strand). Cytogenetic location: 14q22.1.
Variant type: single nucleotide variant.
Coding change: c.3115A>G on transcript NM_020921.4 (MANE Select); coding-DNA position 3115, A replaced by G.
Protein change: p.Ile1039Val; replaces isoleucine 1039 with valine.
Molecular consequence: missense variant. On other transcripts: intron variant (1).
Genome position (GRCh38, 1-based): chr14:50,757,915, T>C on the plus strand (A>G on the coding strand, the complement: NIN is on the minus strand). VCF-style: chr14-50757915-T-C. GRCh37 (hg19) VCF-style: chr14-51224633-T-C.
Other names: c.3115A>G, p.Ile1039Val (NM_182944.3, NM_182946.2); c.2399+1942A>G (NM_016350.5); short protein forms I1039V.
Identifiers: ClinVar variation 4805498 (VCV004805498.1).
Genomic context (GRCh38, chr14:50,757,915, plus strand): 5'-GCTGCTCCCCTTGCTGAAGCAGGGACAGGGCTCCATCTCCTTCCACCTCCTCCTCTCCTA[T>C]CACCTGGCAACCACTCTGAAGCATTGAGAGAGGAGATGTTGCCTGCTGCATTTCCTTTAT-3'
Protein context (NP_065972.4, residues 1029-1049): LSMLQSGCQV[Ile1039Val]GEEEVEGDGA